The following is an entry in ClinVar:

NM_000052.7(ATP7A):c.3289A>C (p.Lys1097Gln)

Gene: ATP7A (ATPase copper transporting alpha; plus strand). Cytogenetic location: Xq21.1.
Variant type: single nucleotide variant.
Coding change: c.3289A>C on transcript NM_000052.7 (MANE Select); coding-DNA position 3289, A replaced by C.
Protein change: p.Lys1097Gln; replaces lysine 1097 with glutamine.
Molecular consequence: missense variant. On other transcripts: non-coding transcript variant (1).
Genome position (GRCh38, 1-based): chrX:78,031,577, A>C. VCF-style: chrX-78031577-A-C. GRCh37 (hg19) VCF-style: chrX-77287075-A-C.
Other names: c.3055A>C, p.Lys1019Gln (NM_001282224.2); short protein forms K1097Q, K1019Q.
Identifiers: ClinVar variation 533672 (VCV000533672.10), dbSNP rs1557237081, ClinGen allele CA413603813.

ClinVar aggregate classification (germline): Uncertain significance (1 of 4 stars; one submission).

Conditions:
Menkes kinky-hair syndrome (MNK). Also called: Classic Menkes Disease; Copper transport disease; Menkes Disease. Identifiers: Orphanet 565, MedGen C0022716, MONDO:0010651, OMIM 309400.
Cutis laxa, X-linked (OHS). Also called: EDS IX; Occipital horn syndrome. Identifiers: Orphanet 198, MedGen C0268353, MONDO:0010572, OMIM 304150.
X-linked distal spinal muscular atrophy type 3. Also called: NEURONOPATHY, DISTAL HEREDITARY MOTOR, X-LINKED; NEUROPATHY, DISTAL HEREDITARY MOTOR, X-LINKED; ATP7A-Related Distal Motor Neuropathy; SPINAL MUSCULAR ATROPHY, DISTAL, X-LINKED RECESSIVE. Identifiers: Orphanet 139557, MedGen C1845359, MONDO:0010338, OMIM 300489.

Allele frequency attached by ClinVar (database versions not stated): gnomAD exomes below 0.00001.
gnomAD v4.1: 1 of 1,208,505 alleles (0.000083%); highest among the groups gnomAD compares: Non-Finnish European, 0.00011%; no homozygotes.

Submission:

Labcorp Genetics (formerly Invitae), Labcorp
Classification: Uncertain significance for X-linked distal spinal muscular atrophy type 3; Cutis laxa, X-linked; Menkes kinky-hair syndrome. Last evaluated: 2018-11-06. Review status: criteria provided, single submitter. Criteria: Invitae Variant Classification Sherloc (09022015). Collection method: clinical testing. Allele origin: germline.
Comment: This variant has not been reported in the literature in individuals with ATP7A-related disease. ClinVar contains an entry for this variant (Variation ID: 533672). This sequence change replaces lysine with glutamine at codon 1097of the ATP7A protein (p.Lys1097Gln). The lysine residue is highly conserved and there is a small physicochemical difference between lysine and glutamine. This variant is not present in population databases (ExAC no frequency). Algorithms developed to predict the effect of missense changes on protein structure and function are either unavailable or do not agree on the potential impact of this missense change (SIFT: "Tolerated"; PolyPhen-2: "Possibly Damaging"; Align-GVGD: "Class C0"). In summary, the available evidence is currently insufficient to determine the role of this variant in disease. Therefore, it has been classified as a Variant of Uncertain Significance.